The following is an entry in ClinVar:

ClinVar aggregate classification (germline): Uncertain significance (1 of 4 stars; one submission).

Conditions:
Charcot-Marie-Tooth disease recessive intermediate C. Also called: CHARCOT-MARIE-TOOTH NEUROPATHY, RECESSIVE INTERMEDIATE C. Identifiers: Orphanet 369867, MedGen C3809309, MONDO:0014154, OMIM 615376.

Submission:

Kariminejad - Najmabadi Pathology & Genetics Center
Classification: Uncertain significance for Charcot-Marie-Tooth disease recessive intermediate C. Last evaluated: 2022-06-06. Review status: criteria provided, single submitter. Criteria: ACMG Guidelines, 2015. Collection method: clinical testing. Allele origin: germline. Inheritance: Autosomal recessive inheritance. Affected: yes.
Comment: PM2,PP3

NM_020631.6(PLEKHG5):c.303-8G>A

Gene: PLEKHG5 (pleckstrin homology and RhoGEF domain containing G5; minus strand). Cytogenetic location: 1p36.31.
Variant type: single nucleotide variant.
Coding change: c.303-8G>A on transcript NM_020631.6 (MANE Select); 8 bases into the intron before coding-DNA position 303, G replaced by A.
Molecular consequence: intron variant.
Genome position (GRCh38, 1-based): chr1:6,474,595, C>T on the plus strand (G>A on the coding strand, the complement: PLEKHG5 is on the minus strand). VCF-style: chr1-6474595-C-T. GRCh37 (hg19) VCF-style: chr1-6534655-C-T.
Other names: c.303-8G>A (NM_198681.4, NM_001265594.3, NM_001042664.2 and 1 more transcripts); c.414-8G>A (NM_001042663.3, NM_001265592.2); c.510-8G>A (NM_001265593.2).
Identifiers: ClinVar variation 3896949 (VCV003896949.1).